The following is an entry in ClinVar:

ClinVar aggregate classification (germline): Likely benign (0 of 4 stars; one submission).

Conditions:
KDELR2-related disorder. Also called: KDELR2-related condition.

Allele frequency attached by ClinVar (database versions not stated): ESP Exome Variant Server 0.00008; gnomAD exomes 0.00009; gnomAD 0.00015; ExAC 0.00026; 1000 Genomes Project 30x 0.00031; TOPMed 0.00035; 1000 Genomes Project 0.00040.

Submission:

PreventionGenetics, part of Exact Sciences
Classification: Likely benign for KDELR2-related condition. Last evaluated: 2023-11-08. Review status: no assertion criteria provided. Collection method: clinical testing. Allele origin: germline.
Comment: This variant is classified as likely benign based on ACMG/AMP sequence variant interpretation guidelines (Richards et al. 2015 PMID: 25741868, with internal and published modifications).

NM_006854.4(KDELR2):c.*11C>T

Gene: KDELR2 (KDEL endoplasmic reticulum protein retention receptor 2; minus strand). Cytogenetic location: 7p22.1.
Variant type: single nucleotide variant.
Coding change: c.*11C>T on transcript NM_006854.4 (MANE Select); 11 bases downstream of the stop codon, C replaced by T.
Molecular consequence: 3 prime UTR variant. On other transcripts: missense variant (1).
Genome position (GRCh38, 1-based): chr7:6,463,130, G>A on the plus strand (C>T on the coding strand, the complement: KDELR2 is on the minus strand). VCF-style: chr7-6463130-G-A. GRCh37 (hg19) VCF-style: chr7-6502761-G-A.
Other names: c.397C>T, p.Pro133Ser (NM_001100603.2); short protein forms P133S.
Identifiers: ClinVar variation 3039978 (VCV003039978.2), dbSNP rs201979585, ClinGen allele CA4154938.
Genomic context (GRCh38, chr7:6,463,130, plus strand): 5'-TATGCCTTTGCTGTGGTAAGAATTCTGTCCGAGCACCCTGAAGGACAGATGCTGGTGATG[G>A]TCTTTGGCACTTATGCTGGCAAACTGAGCTTCTTTCCCTTGAGTACTAGAATTTCAAAGA-3'